The following is an entry in ClinVar:

ClinVar aggregate classification (germline): Uncertain significance (1 of 4 stars; one submission).

gnomAD v4.1: 2 of 1,602,966 alleles (0.00012%); highest among the groups gnomAD compares: Non-Finnish European, 0.000085%; no homozygotes.

Submission:

GeneDx
Classification: Uncertain significance. Last evaluated: 2024-04-01. Review status: criteria provided, single submitter. Criteria: GeneDx Variant Classification Process June 2021. Collection method: clinical testing. Allele origin: germline. Affected: yes.
Comment: Not observed at significant frequency in large population cohorts (gnomAD); In silico analysis supports that this missense variant has a deleterious effect on protein structure/function and splicing; Has not been previously published as pathogenic or benign to our knowledge

NM_000260.4(MYO7A):c.2352G>T (p.Arg784Ser)

Gene: MYO7A (myosin VIIA; plus strand). Cytogenetic location: 11q13.5.
Variant type: single nucleotide variant.
Coding change: c.2352G>T on transcript NM_000260.4 (MANE Select); coding-DNA position 2352, G replaced by T.
Protein change: p.Arg784Ser; replaces arginine 784 with serine.
Molecular consequence: missense variant.
Genome position (GRCh38, 1-based): chr11:77,179,114, G>T. VCF-style: chr11-77179114-G-T. GRCh37 (hg19) VCF-style: chr11-76890160-G-T.
Other names: c.2352G>T, p.Arg784Ser (NM_001127180.2); c.2319G>T, p.Arg773Ser (NM_001369365.1); short protein forms R773S, R784S.
Identifiers: ClinVar variation 3371563 (VCV003371563.1).
Genomic context (GRCh38, chr11:77,179,114, plus strand): 5'-TCTGAAGCTGAAGAACGCTGCCACACTGATCCAGAGGCACTGGCGGGGTCACAACTGTAG[G>T]AAGAACTACGGGCTGGTGAGCCTCCCCATGGGCTGCTCTTGCCCAAACAGGCCTTTGAAC-3'
Protein context (NP_000251.3, residues 774-794): IQRHWRGHNC[Arg784Ser]KNYGLMRLGF